The following is an entry in ClinVar:

ClinVar aggregate classification (germline): Uncertain significance (1 of 4 stars; one submission).

Conditions:
Hereditary pancreatitis (PCTT). Also called: Hereditary chronic pancreatitis; PRSS1-Related Hereditary Pancreatitis. Identifiers: Orphanet 676, MedGen C0238339, MONDO:0008185, OMIM 167800.

Allele frequency attached by ClinVar (database versions not stated): gnomAD exomes below 0.00001; TOPMed below 0.00001; gnomAD 0.00001.
gnomAD v4.1: 3 of 1,614,070 alleles (0.00019%); highest among the groups gnomAD compares: Non-Finnish European, 0.00025%; no homozygotes.

Submission:

Ambry Genetics
Classification: Uncertain significance for Hereditary pancreatitis. Last evaluated: 2025-02-27. Review status: criteria provided, single submitter. Criteria: Ambry Variant Classification Scheme 2023. Collection method: clinical testing. Allele origin: germline.
Comment: The p.V180A variant (also known as c.539T>C), located in coding exon 6 of the CTRC gene, results from a T to C substitution at nucleotide position 539. The valine at codon 180 is replaced by alanine, an amino acid with similar properties. This amino acid position is conserved. In addition, the in silico prediction for this alteration is inconclusive. Since supporting evidence is limited at this time, the clinical significance of this alteration remains unclear.

NM_007272.3(CTRC):c.539T>C (p.Val180Ala)

Gene: CTRC (chymotrypsin C; plus strand). Cytogenetic location: 1p36.21.
Variant type: single nucleotide variant.
Coding change: c.539T>C on transcript NM_007272.3 (MANE Select); coding-DNA position 539, T replaced by C.
Protein change: p.Val180Ala; replaces valine 180 with alanine.
Molecular consequence: missense variant.
Genome position (GRCh38, 1-based): chr1:15,444,651, T>C. VCF-style: chr1-15444651-T-C. GRCh37 (hg19) VCF-style: chr1-15771146-T-C.
Other names: short protein forms V180A.
Identifiers: ClinVar variation 2497342 (VCV002497342.3), dbSNP rs1470144686, ClinGen allele CA338567083.